The following is an entry in ClinVar:

ClinVar aggregate classification (germline): Uncertain significance (1 of 4 stars; one submission).

gnomAD v4.1: 3 of 1,564,890 alleles (0.00019%); highest among the groups gnomAD compares: Non-Finnish European, 0.00026%; no homozygotes.

Submission:

Ambry Genetics
Classification: Uncertain significance. Last evaluated: 2024-11-27. Review status: criteria provided, single submitter. Criteria: Ambry Variant Classification Scheme 2023. Collection method: clinical testing. Allele origin: germline.
Comment: The p.P12R variant (also known as c.35C>G), located in coding exon 1 of the SRP72 gene, results from a C to G substitution at nucleotide position 35. The proline at codon 12 is replaced by arginine, an amino acid with dissimilar properties. This amino acid position is conserved. In addition, this alteration is predicted to be tolerated by in silico analysis. Based on the available evidence, the clinical significance of this variant remains unclear.

NM_006947.4(SRP72):c.35C>G (p.Pro12Arg)

Genes: SRP72 (signal recognition particle 72; plus strand), LOC129992625 (ATAC-STARR-seq lymphoblastoid active region 21580; plus strand). Cytogenetic location: 4q12.
Variant type: single nucleotide variant.
Coding change: c.35C>G on transcript NM_006947.4 (MANE Select); coding-DNA position 35, C replaced by G.
Protein change: p.Pro12Arg; replaces proline 12 with arginine.
Molecular consequence: missense variant. On other transcripts: non-coding transcript variant (1).
Genome position (GRCh38, 1-based): chr4:56,467,670, C>G. VCF-style: chr4-56467670-C-G. GRCh37 (hg19) VCF-style: chr4-57333836-C-G.
Other names: c.35C>G, p.Pro12Arg (NM_001267722.2); short protein forms P12R.
Identifiers: ClinVar variation 3449411 (VCV003449411.1).